The following is an entry in ClinVar:

ClinVar aggregate classification (germline): Likely benign (0 of 4 stars; one submission).

Conditions:
GPR75-related disorder. Also called: GPR75-related condition.

Allele frequency attached by ClinVar (database versions not stated): gnomAD 0.00001; ExAC 0.00002; TOPMed 0.00002; gnomAD exomes 0.00006; ESP Exome Variant Server 0.00008.
gnomAD v4.1: 87 of 1,613,736 alleles (0.0054%); highest among the groups gnomAD compares: Non-Finnish European, 0.0073%; no homozygotes.

Submission:

PreventionGenetics, part of Exact Sciences
Classification: Likely benign for GPR75-related condition. Last evaluated: 2019-08-26. Review status: no assertion criteria provided. Collection method: clinical testing. Allele origin: germline.
Comment: This variant is classified as likely benign based on ACMG/AMP sequence variant interpretation guidelines (Richards et al. 2015 PMID: 25741868, with internal and published modifications).

NM_006794.4(GPR75):c.33C>A (p.Pro11=)

Genes: GPR75 (G protein-coupled receptor 75; minus strand), GPR75-ASB3 (GPR75-ASB3 readthrough; minus strand). Cytogenetic location: 2p16.2.
Variant type: single nucleotide variant.
Coding change: c.33C>A on transcript NM_006794.4 (MANE Select); coding-DNA position 33, C replaced by A.
Protein change: p.Pro11=; no amino-acid change (proline 11 retained).
Molecular consequence: synonymous variant. On other transcripts: intron variant (1).
Genome position (GRCh38, 1-based): chr2:53,854,724, G>T on the plus strand (C>A on the coding strand, the complement: GPR75 is on the minus strand). VCF-style: chr2-53854724-G-T. GRCh37 (hg19) VCF-style: chr2-54081861-G-T.
Other names: c.101+5104C>A (NM_001164165.2).
Identifiers: ClinVar variation 3052821 (VCV003052821.2), dbSNP rs370483316, ClinGen allele CA1657197.
Genomic context (GRCh38, chr2:53,854,724, plus strand): 5'-CTCCTGGAGAGAGGTGCTGTTTCCTTCCTGTGAGTGAGGCACATGGAGCGAGGTGGCATT[G>T]GGGGCATCCTGAAGGTGGCCTGTTGAGTTCATTTTCGGAGAGAAATGTCTCCTTCTTCTG-3'
Protein context (NP_006785.1, residues 1-21): MNSTGHLQDA[Pro11=]NATSLHVPHS